The following is an entry in ClinVar:

NM_001042492.3(NF1):c.4516G>C (p.Ala1506Pro)

Gene: NF1 (neurofibromin 1; plus strand). Cytogenetic location: 17q11.2.
Variant type: single nucleotide variant.
Coding change: c.4516G>C on transcript NM_001042492.3 (MANE Select); coding-DNA position 4516, G replaced by C.
Protein change: p.Ala1506Pro; replaces alanine 1506 with proline.
Molecular consequence: missense variant.
Genome position (GRCh38, 1-based): chr17:31,260,454, G>C. VCF-style: chr17-31260454-G-C. GRCh37 (hg19) VCF-style: chr17-29587472-G-C.
Other names: c.4453G>C, p.Ala1485Pro (NM_000267.4); short protein forms A1506P, A1485P.
Identifiers: ClinVar variation 2832935 (VCV002832935.3), dbSNP rs2151464722, ClinGen allele CA398999630.
Genomic context (GRCh38, chr17:31,260,454, plus strand): 5'-TGTCCTACAAGTGATGCAGTAAATCATAGTCTTTCCTTCATAAGTGACGGCAATGTGCTT[G>C]CTTTACATCGTCTACTCTGGAACAATCAGGAGAAAATTGGGCAGTATCTTTCCAGCAACA-3'
Protein context (NP_001035957.1, residues 1496-1516): LSFISDGNVL[Ala1506Pro]LHRLLWNNQE

ClinVar aggregate classification (germline): Uncertain significance (1 of 4 stars; one submission).

Conditions:
Neurofibromatosis, type 1 (NF1). Also called: VON RECKLINGHAUSEN DISEASE; NEUROFIBROMATOSIS, TYPE I, SOMATIC; Neurofibromatosis, type I; Peripheral type neurofibromatosis. Identifiers: Orphanet 636, MedGen C0027831, MONDO:0018975, OMIM 162200. Disease mechanism: loss of function.

Submission:

Labcorp Genetics (formerly Invitae), Labcorp
Classification: Uncertain significance for Neurofibromatosis, type 1. Last evaluated: 2023-01-30. Review status: criteria provided, single submitter. Criteria: Invitae Variant Classification Sherloc (09022015). Collection method: clinical testing. Allele origin: germline.
Comment: This sequence change replaces alanine, which is neutral and non-polar, with proline, which is neutral and non-polar, at codon 1485 of the NF1 protein (p.Ala1485Pro). This variant is not present in population databases (gnomAD no frequency). This variant has not been reported in the literature in individuals affected with NF1-related conditions. Advanced modeling of protein sequence and biophysical properties (such as structural, functional, and spatial information, amino acid conservation, physicochemical variation, residue mobility, and thermodynamic stability) performed at Invitae indicates that this missense variant is expected to disrupt NF1 protein function. In summary, the available evidence is currently insufficient to determine the role of this variant in disease. Therefore, it has been classified as a Variant of Uncertain Significance.